The following is an entry in ClinVar:

ClinVar aggregate classification (germline): Uncertain significance. Review status: criteria provided, multiple submitters, no conflicts (2 of 4 stars). 3 submissions from 3 submitters: Uncertain significance (3). Last evaluated 2023-10-02.

Conditions:
Inborn genetic diseases. Identifiers: MedGen C0950123, MeSH D030342.

Allele frequency attached by ClinVar (database versions not stated): TOPMed below 0.00001; gnomAD 0.00001; gnomAD exomes 0.00001; ExAC 0.00002.
gnomAD v4.1: 11 of 1,613,812 alleles (0.00068%); highest among the groups gnomAD compares: South Asian, 0.0011%; no homozygotes.

Submissions (3):

Mayo Clinic Laboratories, Mayo Clinic
Classification: Uncertain significance. Last evaluated: 2023-10-02. Review status: criteria provided, single submitter. Criteria: ACMG Guidelines, 2015. Collection method: clinical testing. Allele origin: germline. Observed: 1 variant allele.
Comment: BP4, PM1, PM2_moderate

Women's Health and Genetics/Laboratory Corporation of America, LabCorp
Classification: Uncertain significance. Last evaluated: 2023-09-12. Review status: criteria provided, single submitter. Criteria: LabCorp Variant Classification Summary - May 2015. Collection method: clinical testing. Allele origin: germline.
Comment: Variant summary: F13A1 c.1213G>A (p.Asp405Asn) results in a conservative amino acid change in the encoded protein sequence. Three of five in-silico tools predict a benign effect of the variant on protein function. The variant allele was found at a frequency of 8e-06 in 251418 control chromosomes. The available data on variant occurrences in the general population are insufficient to allow any conclusion about variant significance. To our knowledge, no occurrence of c.1213G>A in individuals affected with Factor XIIIA Deficiency and no experimental evidence demonstrating its impact on protein function have been reported. One submitter has cited clinical-significance assessments for this variant to ClinVar after 2014 and has classified the variant as uncertain significance. Based on the evidence outlined above, the variant was classified as uncertain significance.

Ambry Genetics
Classification: Uncertain significance for Inborn genetic diseases. Last evaluated: 2022-05-10. Review status: criteria provided, single submitter. Criteria: Ambry Variant Classification Scheme 2023. Collection method: clinical testing. Allele origin: germline.

NM_000129.4(F13A1):c.1213G>A (p.Asp405Asn)

Gene: F13A1 (coagulation factor XIII A chain; minus strand). Cytogenetic location: 6p25.1.
Variant type: single nucleotide variant.
Coding change: c.1213G>A on transcript NM_000129.4 (MANE Select); coding-DNA position 1213, G replaced by A.
Protein change: p.Asp405Asn; replaces aspartic acid 405 with asparagine.
Molecular consequence: missense variant.
Genome position (GRCh38, 1-based): chr6:6,197,226, C>T on the plus strand (G>A on the coding strand, the complement: F13A1 is on the minus strand). VCF-style: chr6-6197226-C-T. GRCh37 (hg19) VCF-style: chr6-6197459-C-T.
Other names: p.Asp405Asn; short protein forms D405N.
Identifiers: ClinVar variation 2241236 (VCV002241236.4), dbSNP rs775554234, ClinGen allele CA3624427.
Genomic context (GRCh38, chr6:6,197,226, plus strand): 5'-AAAGCAAAACAAAGATCAGCAATGAAGCAAGTTCCCAGAGGGAGGACACAGTTTTACCAT[C>T]GCTATTTTCCTGGGGGGTGCTGTCCACAGCTTGCCAGCCTCCAAATCCAACAGGAAGGTC-3'
Protein context (NP_000120.2, residues 395-415): AVDSTPQENS[Asp405Asn]GMYRCGPASV